The following is an entry in ClinVar:

ClinVar aggregate classification (germline): Uncertain significance. Review status: criteria provided, multiple submitters, no conflicts (2 of 4 stars). 2 submissions from 2 submitters: Uncertain significance (2). Last evaluated 2026-07-02.

Conditions:
Cardiovascular phenotype. Identifiers: MedGen CN230736.

Allele frequency attached by ClinVar (database versions not stated): gnomAD exomes below 0.00001 and 0.00001.
gnomAD v4.1: 8 of 1,612,170 alleles (0.0005%); highest among the groups gnomAD compares: Non-Finnish European, 0.00068%; no homozygotes.

Submissions (2):

Ambry Genetics
Classification: Uncertain significance for Cardiovascular phenotype. Last evaluated: 2026-07-02. Review status: criteria provided, single submitter. Criteria: Ambry Variant Classification Scheme 2023. Collection method: clinical testing. Allele origin: germline.
Comment: The p.I4310T variant (also known as c.12929T>C), located in coding exon 29 of the APOB gene, results from a T to C substitution at nucleotide position 12929. The isoleucine at codon 4310 is replaced by threonine, an amino acid with similar properties. This amino acid position is conserved. In addition, this alteration is predicted to be tolerated by in silico analysis. Based on the available evidence, the clinical significance of this variant remains unclear.

Quest Diagnostics Nichols Institute San Juan Capistrano
Classification: Uncertain significance. Last evaluated: 2018-12-11. Review status: criteria provided, single submitter. Criteria: Quest Diagnostics criteria. Collection method: clinical testing. Allele origin: germline.

NM_000384.3(APOB):c.12929T>C (p.Ile4310Thr)

Gene: APOB (apolipoprotein B; minus strand). Cytogenetic location: 2p24.1.
Variant type: single nucleotide variant.
Coding change: c.12929T>C on transcript NM_000384.3 (MANE Select); coding-DNA position 12929, T replaced by C.
Protein change: p.Ile4310Thr; replaces isoleucine 4310 with threonine.
Molecular consequence: missense variant.
Genome position (GRCh38, 1-based): chr2:21,002,493, A>G on the plus strand (T>C on the coding strand, the complement: APOB is on the minus strand). VCF-style: chr2-21002493-A-G. GRCh37 (hg19) VCF-style: chr2-21225365-A-G.
Other names: short protein forms I4310T.
Identifiers: ClinVar variation 801045 (VCV000801045.3), dbSNP rs1003580237, ClinGen allele CA43488346.